The following is an entry in ClinVar:

ClinVar aggregate classification (germline): Pathogenic. Review status: criteria provided, multiple submitters, no conflicts (2 of 4 stars). 3 submissions from 3 submitters: Pathogenic (3). Last evaluated 2025-09-30.

Conditions:
Familial hypokalemia-hypomagnesemia (GTLMNS). Also called: gitelman syndrome; POTASSIUM AND MAGNESIUM DEPLETION; HYPOMAGNESEMIA-HYPOKALEMIA, PRIMARY RENOTUBULAR, WITH HYPOCALCIURIA. Identifiers: Orphanet 358, MedGen C0268450, MONDO:0009904, OMIM 263800.
SLC12A3-related disorder. Also called: SLC12A3-related condition.

Submissions (3):

PreventionGenetics, part of Exact Sciences
Classification: Pathogenic for SLC12A3-related condition. Last evaluated: 2025-09-30. Review status: criteria provided, single submitter. Criteria: ACMG Guidelines, 2015. Collection method: clinical testing. Allele origin: germline.
Comment: The SLC12A3 c.945delA variant is predicted to result in a frameshift and premature protein termination (p.Gly316Alafs*54). This variant was reported in the homozygous state in an individual with Gitelman syndrome (Correia et al. 2022. PubMed ID: 36460433). This variant is reported in 0.0033% of alleles in individuals of South Asian descent in gnomAD. Frameshift variants in SLC12A3 are expected to be pathogenic. This variant is interpreted as pathogenic.

Natera, Inc.
Classification: Pathogenic for Gitelman syndrome. Last evaluated: 2024-04-29. Review status: criteria provided, single submitter. Criteria: Natera Variant Classification Schema (03/2026). Collection method: clinical testing. Allele origin: germline.
Comment: The c.945delA variant in SLC12A3 is a frameshift variant predicted to shift the reading frame beginning at codon 316 and leads to a stop codon 54 codons downstream. This variant is expected to result in nonsense mediated decay, truncation, or a dysfunctional protein product. This variant is rare in the general population with a frequency below the threshold expected for the associated phenotype(s). This variant has been observed in one or more individuals affected with the associated recessive disease, as either homozygous or compound heterozygous with a second variant (PMID: 36460433). Given the available evidence, this variant is classified as Pathogenic.

Labcorp Genetics (formerly Invitae), Labcorp
Classification: Pathogenic. Last evaluated: 2023-06-07. Review status: criteria provided, single submitter. Criteria: Invitae Variant Classification Sherloc (09022015). Collection method: clinical testing. Allele origin: germline.
Comment: For these reasons, this variant has been classified as Pathogenic. This sequence change creates a premature translational stop signal (p.Gly316Alafs*54) in the SLC12A3 gene. It is expected to result in an absent or disrupted protein product. Loss-of-function variants in SLC12A3 are known to be pathogenic (PMID: 20848653, 22009145, 25841442). This variant is present in population databases (no rsID available, gnomAD 0.003%). This variant has not been reported in the literature in individuals affected with SLC12A3-related conditions.

Literature cited by the submitters: PubMed 36460433 (cited by Natera, Inc.); PubMed 20848653 (cited by Labcorp Genetics (formerly Invitae), Labcorp); PubMed 22009145 (cited by Labcorp Genetics (formerly Invitae), Labcorp); PubMed 25841442 (cited by Labcorp Genetics (formerly Invitae), Labcorp).

NM_001126108.2(SLC12A3):c.945del (p.Gly316fs)

Gene: SLC12A3 (solute carrier family 12 member 3; plus strand). Cytogenetic location: 16q13.
Variant type: Deletion.
Coding change: c.945del on transcript NM_001126108.2 (MANE Select); coding-DNA position 945, one base deleted (A; older notation c.945delA).
Protein change: p.Gly316fs; shifts the reading frame from glycine 316.
Molecular consequence: frameshift variant.
Genome position (GRCh38, 1-based): chr16:56,872,443, A deleted; the last of 3 consecutive A bases (chr16:56,872,441-56,872,443); deleting any one gives the same sequence. VCF-style (leftmost placement, unchanged base first): chr16-56872440-CA-C. GRCh37 (hg19) VCF-style: chr16-56906352-CA-C.
Other names: c.945del, p.Gly316fs (NM_000339.3); c.942del, p.Gly315fs (NM_001126107.2, NM_001410896.1); c.945delA (NM_000339.2); short protein forms G315fs, G316fs.
Identifiers: ClinVar variation 2968103 (VCV002968103.5), dbSNP rs1451049067, ClinGen allele CA622656611.